The following is an entry in ClinVar:

ClinVar aggregate classification (germline): Uncertain significance. Review status: criteria provided, multiple submitters, no conflicts (2 of 4 stars). 2 submissions from 2 submitters: Uncertain significance (2). Last evaluated 2026-02-17.

Submissions (2):

GeneDx
Classification: Uncertain significance. Last evaluated: 2026-02-17. Review status: criteria provided, single submitter. Criteria: GeneDx Variant Classification Process June 2021. Collection method: clinical testing. Allele origin: germline.
Comment: Not observed at significant frequency in large population cohorts (gnomAD); In silico analysis supports that this missense variant has a deleterious effect on protein structure/function; Has not been previously published as pathogenic or benign to our knowledge

Labcorp Genetics (formerly Invitae), Labcorp
Classification: Uncertain significance. Last evaluated: 2024-08-09. Review status: criteria provided, single submitter. Criteria: Invitae Variant Classification Sherloc (09022015). Collection method: clinical testing. Allele origin: germline.
Comment: This sequence change replaces proline, which is neutral and non-polar, with alanine, which is neutral and non-polar, at codon 442 of the RERE protein (p.Pro442Ala). This variant is not present in population databases (gnomAD no frequency). This variant has not been reported in the literature in individuals affected with RERE-related conditions. Advanced modeling of protein sequence and biophysical properties (such as structural, functional, and spatial information, amino acid conservation, physicochemical variation, residue mobility, and thermodynamic stability) has been performed at Invitae for this missense variant, however the output from this modeling did not meet the statistical confidence thresholds required to predict the impact of this variant on RERE protein function. In summary, the available evidence is currently insufficient to determine the role of this variant in disease. Therefore, it has been classified as a Variant of Uncertain Significance.

NM_001042681.2(RERE):c.1324C>G (p.Pro442Ala)

Gene: RERE (arginine-glutamic acid dipeptide repeats; minus strand). Cytogenetic location: 1p36.23.
Variant type: single nucleotide variant.
Coding change: c.1324C>G on transcript NM_001042681.2 (MANE Select); coding-DNA position 1324, C replaced by G.
Protein change: p.Pro442Ala; replaces proline 442 with alanine.
Molecular consequence: missense variant. On other transcripts: 5 prime UTR variant (1).
Genome position (GRCh38, 1-based): chr1:8,365,935, G>C on the plus strand (C>G on the coding strand, the complement: RERE is on the minus strand). VCF-style: chr1-8365935-G-C. GRCh37 (hg19) VCF-style: chr1-8425995-G-C.
Other names: c.-339C>G (NM_001042682.2); c.1324C>G, p.Pro442Ala (NM_012102.4); short protein forms P442A.
Identifiers: ClinVar variation 3362150 (VCV003362150.4).